The following is an entry in ClinVar:

ClinVar aggregate classification (germline): Uncertain significance (1 of 4 stars; one submission).

Conditions:
Common variable immunodeficiency (CVID). Also called: Common variable hypogamma-globulinemia; Common variable agammaglobulinemia. Identifiers: Orphanet 1572, MedGen C0009447, MONDO:0015517.

gnomAD v4.1: 4 of 1,614,144 alleles (0.00025%); highest among the groups gnomAD compares: Non-Finnish European, 0.00025%; no homozygotes.

Submission:

Labcorp Genetics (formerly Invitae), Labcorp
Classification: Uncertain significance for Common variable immunodeficiency. Last evaluated: 2024-11-11. Review status: criteria provided, single submitter. Criteria: Invitae Variant Classification Sherloc (09022015). Collection method: clinical testing. Allele origin: germline.
Comment: This sequence change replaces proline, which is neutral and non-polar, with threonine, which is neutral and polar, at codon 83 of the TNFSF12 protein (p.Pro83Thr). This variant is not present in population databases (gnomAD no frequency). This variant has not been reported in the literature in individuals affected with TNFSF12-related conditions. ClinVar contains an entry for this variant (Variation ID: 2957641). An algorithm developed to predict the effect of missense changes on protein structure and function (PolyPhen-2) suggests that this variant is likely to be disruptive. In summary, the available evidence is currently insufficient to determine the role of this variant in disease. Therefore, it has been classified as a Variant of Uncertain Significance.

NM_003809.3(TNFSF12):c.247C>A (p.Pro83Thr)

Genes: TNFSF12 (TNF superfamily member 12; plus strand), TNFSF12-TNFSF13 (TNFSF12-TNFSF13 readthrough; plus strand). Cytogenetic location: 17p13.1.
Variant type: single nucleotide variant.
Coding change: c.247C>A on transcript NM_003809.3 (MANE Select); coding-DNA position 247, C replaced by A.
Protein change: p.Pro83Thr; replaces proline 83 with threonine.
Molecular consequence: missense variant. On other transcripts: non-coding transcript variant (1).
Genome position (GRCh38, 1-based): chr17:7,550,159, C>A. VCF-style: chr17-7550159-C-A. GRCh37 (hg19) VCF-style: chr17-7453476-C-A.
Other names: c.247C>A, p.Pro83Thr (NM_172089.4); short protein forms P83T.
Identifiers: ClinVar variation 2957641 (VCV002957641.3), dbSNP rs2508313317, ClinGen allele CA397856238.